The following is an entry in ClinVar:

ClinVar aggregate classification (germline): Uncertain significance (1 of 4 stars; one submission).

Conditions:
Dilated cardiomyopathy 1G (CMD1G). Identifiers: Orphanet 154, MedGen C1858763, MONDO:0011400, OMIM 604145.
Autosomal recessive limb-girdle muscular dystrophy type 2J (LGMDR10). Also called: Limb-girdle muscular dystrophy, type 2J; MUSCULAR DYSTROPHY, LIMB-GIRDLE, AUTOSOMAL RECESSIVE 10. Identifiers: Orphanet 140922, MedGen C1837342, MONDO:0012127, OMIM 608807.

Submission:

Labcorp Genetics (formerly Invitae), Labcorp
Classification: Uncertain significance for Dilated cardiomyopathy 1G; Autosomal recessive limb-girdle muscular dystrophy type 2J. Last evaluated: 2023-09-10. Review status: criteria provided, single submitter. Criteria: Invitae Variant Classification Sherloc (09022015). Collection method: clinical testing. Allele origin: germline.
Comment: This variant is located in the M band of TTN (PMID: 25589632). Variants in this region may be relevant for neuromuscular disorders, but have not been definitively shown to cause cardiomyopathy (PMID: 23975875). This sequence change replaces isoleucine, which is neutral and non-polar, with leucine, which is neutral and non-polar, at codon 34411 of the TTN protein (p.Ile34411Leu). This variant is not present in population databases (gnomAD no frequency). In summary, the available evidence is currently insufficient to determine the role of this variant in disease. Therefore, it has been classified as a Variant of Uncertain Significance. Experimental studies and prediction algorithms are not available or were not evaluated, and the functional significance of this variant is currently unknown. This variant has not been reported in the literature in individuals affected with TTN-related conditions.

Literature cited by the submitters: PubMed 25589632; PubMed 23975875.

NM_001267550.2(TTN):c.103231A>C (p.Ile34411Leu)

Genes: TTN (titin; minus strand), TTN-AS1 (TTN antisense RNA 1; plus strand). Cytogenetic location: 2q31.2.
Variant type: single nucleotide variant.
Coding change: c.103231A>C on transcript NM_001267550.2 (MANE Select); coding-DNA position 103231, A replaced by C.
Protein change: p.Ile34411Leu; replaces isoleucine 34411 with leucine.
Molecular consequence: missense variant.
Genome position (GRCh38, 1-based): chr2:178,533,384, T>G on the plus strand (A>C on the coding strand, the complement: TTN is on the minus strand). VCF-style: chr2-178533384-T-G. GRCh37 (hg19) VCF-style: chr2-179398111-T-G.
Other names: c.98308A>C, p.Ile32770Leu (NM_001256850.1); c.76036A>C, p.Ile25346Leu (NM_003319.4); c.95527A>C, p.Ile31843Leu (NM_133378.4); c.76411A>C, p.Ile25471Leu (NM_133432.3); c.76612A>C, p.Ile25538Leu (NM_133437.4); short protein forms I25471L, I31843L, I25346L, I25538L, I32770L, I34411L.
Identifiers: ClinVar variation 2951818 (VCV002951818.3), dbSNP rs2468490794, ClinGen allele CA349414728.
Genomic context (GRCh38, chr2:178,533,384, plus strand): 5'-TGTCTTCAGGCAAAGTGTCCCTGATGTGCAGAGCATAATAATCCAAGCCTTCATGGATAA[T>G]TTCAATGTTAGGCCCGAGGGACAGTGGCTGACCATCTTTCTCCCATTTTAATGTTGGTGG-3'
Protein context (NP_001254479.2, residues 34401-34421): QPLSLGPNIE[Ile34411Leu]IHEGLDYYAL